The following is an entry in ClinVar:

ClinVar aggregate classification (germline): Likely benign. Review status: criteria provided, single submitter (1 of 4 stars). 2 submissions from 2 submitters: Likely benign (1). 1 of the submissions does not count toward it. Last evaluated 2023-06-25.

Conditions:
BBS10-related disorder. Also called: BBS10-related condition.
Bardet-Biedl syndrome (BBS). Identifiers: Orphanet 110, MedGen C0752166, MONDO:0015229.

Submissions (2):

Labcorp Genetics (formerly Invitae), Labcorp
Classification: Likely benign for Bardet-Biedl syndrome. Last evaluated: 2023-06-25. Review status: criteria provided, single submitter. Criteria: Invitae Variant Classification Sherloc (09022015). Collection method: clinical testing. Allele origin: germline.

PreventionGenetics, part of Exact Sciences
Classification: Likely benign for BBS10-related condition. Last evaluated: 2022-11-09. Review status: no assertion criteria provided. Collection method: clinical testing. Allele origin: germline. Not counted in ClinVar's aggregate classification.
Comment: This variant is classified as likely benign based on ACMG/AMP sequence variant interpretation guidelines (Richards et al. 2015 PMID: 25741868, with internal and published modifications).

NM_024685.4(BBS10):c.1989T>C (p.His663=)

Gene: BBS10 (Bardet-Biedl syndrome 10; minus strand). Cytogenetic location: 12q21.2.
Variant type: single nucleotide variant.
Coding change: c.1989T>C on transcript NM_024685.4 (MANE Select); coding-DNA position 1989, T replaced by C.
Protein change: p.His663=; no amino-acid change (histidine 663 retained).
Molecular consequence: synonymous variant.
Genome position (GRCh38, 1-based): chr12:76,345,996, A>G on the plus strand (T>C on the coding strand, the complement: BBS10 is on the minus strand). VCF-style: chr12-76345996-A-G. GRCh37 (hg19) VCF-style: chr12-76739776-A-G.
Other names: c.1989T>C (NM_024685.3).
Identifiers: ClinVar variation 2034841 (VCV002034841.6), dbSNP rs2540954901, ClinGen allele CA481010981.